The following is an entry in ClinVar:

NM_001271.4(CHD2):c.645C>G (p.Asp215Glu)

Gene: CHD2 (chromodomain helicase DNA binding protein 2; plus strand). Cytogenetic location: 15q26.1.
Variant type: single nucleotide variant.
Coding change: c.645C>G on transcript NM_001271.4 (MANE Select); coding-DNA position 645, C replaced by G.
Protein change: p.Asp215Glu; replaces aspartic acid 215 with glutamic acid.
Molecular consequence: missense variant.
Genome position (GRCh38, 1-based): chr15:92,939,671, C>G. VCF-style: chr15-92939671-C-G. GRCh37 (hg19) VCF-style: chr15-93482901-C-G.
Other names: c.645C>G, p.Asp215Glu (NM_001042572.3); short protein forms D215E.
Identifiers: ClinVar variation 2186231 (VCV002186231.4), dbSNP rs778944668, ClinGen allele CA7747587.
Genomic context (GRCh38, chr15:92,939,671, plus strand): 5'-GAAGACTCAGCGTGGAAAGAGAAAAAAGCAAGATTCTTCTGATGAGGATGATGATGATGA[C>G]GAAGCTCCCAAAAGGCAGACTCGTCGAAGAGCGGCTAAAAACGTTAGGTAAGTTGTACCC-3'
Protein context (NP_001262.3, residues 205-225): QDSSDEDDDD[Asp215Glu]EAPKRQTRRR

ClinVar aggregate classification (germline): Uncertain significance (1 of 4 stars; one submission).

Conditions:
Developmental and epileptic encephalopathy 94 (DEE94). Also called: CHD2-Related Neurodevelopmental Disorders; Epileptic encephalopathy, childhood-onset. Identifiers: Orphanet 1942, Orphanet 2382, MedGen C3809278, MONDO:0014150, OMIM 615369.

Submission:

Labcorp Genetics (formerly Invitae), Labcorp
Classification: Uncertain significance for Developmental and epileptic encephalopathy 94. Last evaluated: 2022-04-08. Review status: criteria provided, single submitter. Criteria: Invitae Variant Classification Sherloc (09022015). Collection method: clinical testing. Allele origin: germline.
Comment: In summary, the available evidence is currently insufficient to determine the role of this variant in disease. Therefore, it has been classified as a Variant of Uncertain Significance. This sequence change replaces aspartic acid, which is acidic and polar, with glutamic acid, which is acidic and polar, at codon 215 of the CHD2 protein (p.Asp215Glu). This variant is present in population databases (rs778944668, gnomAD 0.0009%). This variant has not been reported in the literature in individuals affected with CHD2-related conditions. Advanced modeling of protein sequence and biophysical properties (such as structural, functional, and spatial information, amino acid conservation, physicochemical variation, residue mobility, and thermodynamic stability) performed at Invitae indicates that this missense variant is not expected to disrupt CHD2 protein function.